The following is an entry in ClinVar:

ClinVar aggregate classification (germline): Uncertain significance (1 of 4 stars; one submission).

Allele frequency attached by ClinVar (database versions not stated): gnomAD 0.00001; gnomAD exomes 0.00001; ExAC 0.00002.
gnomAD v4.1: 9 of 1,613,726 alleles (0.00056%); highest among the groups gnomAD compares: East Asian, 0.0022%; no homozygotes.

Submission:

Labcorp Genetics (formerly Invitae), Labcorp
Classification: Uncertain significance. Last evaluated: 2022-04-06. Review status: criteria provided, single submitter. Criteria: Invitae Variant Classification Sherloc (09022015). Collection method: clinical testing. Allele origin: germline.
Comment: This variant is present in population databases (rs775585104, gnomAD 0.002%). This sequence change replaces arginine, which is basic and polar, with glutamine, which is neutral and polar, at codon 268 of the NPR3 protein (p.Arg268Gln). Algorithms developed to predict the effect of missense changes on protein structure and function are either unavailable or do not agree on the potential impact of this missense change (SIFT: "Deleterious"; PolyPhen-2: "Probably Damaging"; Align-GVGD: "Class C0"). This variant has not been reported in the literature in individuals affected with NPR3-related conditions. In summary, the available evidence is currently insufficient to determine the role of this variant in disease. Therefore, it has been classified as a Variant of Uncertain Significance.

NM_001204375.2(NPR3):c.803G>A (p.Arg268Gln)

Gene: NPR3 (natriuretic peptide receptor 3; plus strand). Cytogenetic location: 5p13.3.
Variant type: single nucleotide variant.
Coding change: c.803G>A on transcript NM_001204375.2 (MANE Select); coding-DNA position 803, G replaced by A.
Protein change: p.Arg268Gln; replaces arginine 268 with glutamine.
Molecular consequence: missense variant. On other transcripts: intron variant (1).
Genome position (GRCh38, 1-based): chr5:32,724,731, G>A. VCF-style: chr5-32724731-G-A. GRCh37 (hg19) VCF-style: chr5-32724837-G-A.
Other names: c.803G>A, p.Arg268Gln (NM_000908.4); c.155G>A, p.Arg52Gln (NM_001204376.2, NM_001363652.2); c.83G>A, p.Arg28Gln (NM_001364458.2); c.121+13948G>A (NM_001364460.2); short protein forms R28Q, R52Q, R268Q.
Identifiers: ClinVar variation 1954865 (VCV001954865.5), dbSNP rs775585104, ClinGen allele CA3222467.